The following is an entry in ClinVar:

NM_014319.5(LEMD3):c.240_263del (p.Pro81_Gly88del)

Gene: LEMD3 (LEM domain containing 3; plus strand). Cytogenetic location: 12q14.3.
Variant type: Deletion.
Coding change: c.240_263del on transcript NM_014319.5 (MANE Select); coding-DNA positions 240 to 263, 24 bases deleted (ACCAGCGGCGGCGGCGGCCGCGGG).
Protein change: p.Pro81_Gly88del.
Molecular consequence: inframe deletion.
Genome position (GRCh38, 1-based): chr12:65,169,836-65,169,859, ACCAGCGGCGGCGGCGGCCGCGGG deleted; deleting any 24 consecutive bases within chr12:65,169,828-65,169,859 gives the same sequence; the c. name uses the placement nearest the transcript's 3' end. VCF-style (leftmost placement, unchanged base first): chr12-65169827-AGCCGCGGGACCAGCGGCGGCGGCG-A. GRCh37 (hg19) VCF-style: chr12-65563607-AGCCGCGGGACCAGCGGCGGCGGCG-A.
Other names: c.240_263del (NM_014319.4); c.240_263del, p.Pro81_Gly88del (NM_001167614.2); c.240_263del24 (NM_014319.4).
Identifiers: ClinVar variation 594166 (VCV000594166.43), dbSNP rs756800816, ClinGen allele CA6670701.

ClinVar aggregate classification (germline): Benign/Likely benign. Review status: criteria provided, multiple submitters, no conflicts (2 of 4 stars). 7 submissions from 7 submitters: Benign (1); Likely benign (4). 2 of the submissions do not count toward it. Last evaluated 2026-01-21.

Conditions:
Dermatofibrosis lenticularis disseminata (BOS). Also called: OSTEOPATHIA CONDENSANS DISSEMINATA; DERMATOFIBROSIS LENTICULARIS DISSEMINATA WITH OSTEOPOIKILOSIS; DERMATOOSTEOPOIKILOSIS. Identifiers: Orphanet 1306, MedGen C0265514, MONDO:0008157, OMIM 166700.
LEMD3-related disorder. Also called: LEMD3-related condition.
OSTEOPOIKILOSIS WITH OR WITHOUT MELORHEOSTOSIS.

Submissions (7):

Labcorp Genetics (formerly Invitae), Labcorp
Classification: Likely benign. Last evaluated: 2026-01-21. Review status: criteria provided, single submitter. Criteria: Invitae Variant Classification Sherloc (09022015). Collection method: clinical testing. Allele origin: germline.

CeGaT Center for Human Genetics Tuebingen
Classification: Benign. Last evaluated: 2025-11-01. Review status: criteria provided, single submitter. Criteria: CeGaT Center For Human Genetics Tuebingen Variant Classification Criteria Version 2. Collection method: clinical testing. Allele origin: germline. Affected: yes. Observed: 2 variant alleles.
Comment: LEMD3: BS1, BS2

Blueprint Genetics
Classification: Likely benign. Last evaluated: 2024-11-26. Review status: criteria provided, single submitter. Criteria: ACMG Guidelines, 2015. Collection method: clinical testing. Allele origin: germline.

Fulgent Genetics
Classification: Likely benign for Dermatofibrosis lenticularis disseminata. Last evaluated: 2021-07-22. Review status: criteria provided, single submitter. Criteria: ACMG Guidelines, 2015. Collection method: clinical testing. Allele origin: unknown.

Eurofins Ntd Llc (ga)
Classification: Likely benign. Last evaluated: 2017-10-06. Review status: criteria provided, single submitter. Criteria: EGL Classification Definitions 2015. Collection method: clinical testing. Allele origin: germline. Observed: 1 variant allele, 1 heterozygote.

OMIM
Classification: Pathogenic for OSTEOPOIKILOSIS WITH OR WITHOUT MELORHEOSTOSIS. Last evaluated: 2020-06-22. Review status: no assertion criteria provided. Collection method: literature only. Allele origin: germline. Not counted in ClinVar's aggregate classification.

PreventionGenetics, part of Exact Sciences
Classification: Likely benign for LEMD3-related condition. Last evaluated: 2019-05-22. Review status: no assertion criteria provided. Collection method: clinical testing. Allele origin: germline. Not counted in ClinVar's aggregate classification.
Comment: This variant is classified as likely benign based on ACMG/AMP sequence variant interpretation guidelines (Richards et al. 2015 PMID: 25741868, with internal and published modifications).

Literature cited by the submitters: PubMed 28434888 (cited by OMIM).